The following is an entry in ClinVar:

ClinVar aggregate classification (germline): Uncertain significance (1 of 4 stars; one submission).

Conditions:
Myofibrillar myopathy 3 (MFM3). Also called: Muscular dystrophy, proximal, type 1A; Autosomal dominant spheroid body myopathy. Identifiers: Orphanet 266, Orphanet 268129, MedGen C3714934, MONDO:0012215, OMIM 609200.

Allele frequency attached by ClinVar (database versions not stated): gnomAD exomes below 0.00001.
gnomAD v4.1: 1 of 1,614,050 alleles (0.000062%); highest among the groups gnomAD compares: Non-Finnish European, 0.000085%; no homozygotes.

Submission:

Labcorp Genetics (formerly Invitae), Labcorp
Classification: Uncertain significance for Myofibrillar myopathy 3. Last evaluated: 2020-01-11. Review status: criteria provided, single submitter. Criteria: Invitae Variant Classification Sherloc (09022015). Collection method: clinical testing. Allele origin: germline.
Comment: This variant has not been reported in the literature in individuals with MYOT-related conditions. This sequence change replaces proline with serine at codon 146 of the MYOT protein (p.Pro146Ser). The proline residue is highly conserved and there is a moderate physicochemical difference between proline and serine. This variant is not present in population databases (ExAC no frequency). In summary, the available evidence is currently insufficient to determine the role of this variant in disease. Therefore, it has been classified as a Variant of Uncertain Significance. Algorithms developed to predict the effect of missense changes on protein structure and function are either unavailable or do not agree on the potential impact of this missense change (SIFT: "Deleterious"; PolyPhen-2: "Benign"; Align-GVGD: "Class C0").

NM_006790.3(MYOT):c.436C>T (p.Pro146Ser)

Genes: MYOT (myotilin; plus strand), PKD2L2-DT (PKD2L2 divergent transcript; minus strand). Cytogenetic location: 5q31.2.
Variant type: single nucleotide variant.
Coding change: c.436C>T on transcript NM_006790.3 (MANE Select); coding-DNA position 436, C replaced by T.
Protein change: p.Pro146Ser; replaces proline 146 with serine.
Molecular consequence: missense variant. On other transcripts: 5 prime UTR variant (1).
Genome position (GRCh38, 1-based): chr5:137,875,908, C>T. VCF-style: chr5-137875908-C-T. GRCh37 (hg19) VCF-style: chr5-137211597-C-T.
Other names: c.-117C>T (NM_001135940.2); c.91C>T, p.Pro31Ser (NM_001300911.2); short protein forms P31S, P146S.
Identifiers: ClinVar variation 1046160 (VCV001046160.12), dbSNP rs1755197357, ClinGen allele CA361054079.